The following is an entry in ClinVar:

ClinVar aggregate classification (germline): Uncertain significance (1 of 4 stars; one submission).

Conditions:
Autosomal dominant polycystic kidney disease. Identifiers: Orphanet 730, MedGen C0085413, MONDO:0004691.

Submission:

Labcorp Genetics (formerly Invitae), Labcorp
Classification: Uncertain significance for Autosomal dominant polycystic kidney disease. Last evaluated: 2022-09-27. Review status: criteria provided, single submitter. Criteria: Invitae Variant Classification Sherloc (09022015). Collection method: clinical testing. Allele origin: germline.
Comment: This sequence change replaces arginine, which is basic and polar, with lysine, which is basic and polar, at codon 420 of the PKD2 protein (p.Arg420Lys). This variant is not present in population databases (gnomAD no frequency). In summary, the available evidence is currently insufficient to determine the role of this variant in disease. Therefore, it has been classified as a Variant of Uncertain Significance. Advanced modeling of protein sequence and biophysical properties (such as structural, functional, and spatial information, amino acid conservation, physicochemical variation, residue mobility, and thermodynamic stability) performed at Invitae indicates that this missense variant is expected to disrupt PKD2 protein function. This variant has not been reported in the literature in individuals affected with PKD2-related conditions.

NM_000297.4(PKD2):c.1259G>A (p.Arg420Lys)

Gene: PKD2 (polycystin 2, transient receptor potential cation channel; plus strand). Cytogenetic location: 4q22.1.
Variant type: single nucleotide variant.
Coding change: c.1259G>A on transcript NM_000297.4 (MANE Select); coding-DNA position 1259, G replaced by A.
Protein change: p.Arg420Lys; replaces arginine 420 with lysine.
Molecular consequence: missense variant. On other transcripts: non-coding transcript variant (1).
Genome position (GRCh38, 1-based): chr4:88,043,397, G>A. VCF-style: chr4-88043397-G-A. GRCh37 (hg19) VCF-style: chr4-88964549-G-A.
Other names: short protein forms R420K.
Identifiers: ClinVar variation 1720540 (VCV001720540.5), dbSNP rs2475916254, ClinGen allele CA357615993.